The following is an entry in ClinVar:

NM_005732.4(RAD50):c.2718+1G>T

Gene: RAD50 (RAD50 double strand break repair protein; plus strand). Cytogenetic location: 5q31.1.
Variant type: single nucleotide variant.
Coding change: c.2718+1G>T on transcript NM_005732.4 (MANE Select); the canonical splice donor site of the intron after coding-DNA position 2718, G replaced by T.
Molecular consequence: splice donor variant.
Genome position (GRCh38, 1-based): chr5:132,605,000, G>T. VCF-style: chr5-132605000-G-T. GRCh37 (hg19) VCF-style: chr5-131940692-G-T.
Identifiers: ClinVar variation 1478707 (VCV001478707.7), dbSNP rs556830991, ClinGen allele CA360957030.

ClinVar aggregate classification (germline): Likely pathogenic. Review status: criteria provided, multiple submitters, no conflicts (2 of 4 stars). 2 submissions from 2 submitters: Likely pathogenic (2). Last evaluated 2025-12-08.

Conditions:
Nijmegen breakage syndrome-like disorder (NBSLD). Also called: MICROCEPHALY AND SPONTANEOUS CHROMOSOME INSTABILITY WITHOUT IMMUNODEFICIENCY; NBS-LIKE DISORDER; RAD50 DEFICIENCY. Identifiers: Orphanet 240760, MedGen C2751318, MONDO:0013118, OMIM 613078.
Hereditary cancer-predisposing syndrome. Also called: Hereditary neoplastic syndrome; Neoplastic Syndromes, Hereditary; Tumor predisposition; Hereditary Cancer Syndrome. Identifiers: Orphanet 140162, MedGen C0027672, MeSH D009386, MONDO:0015356.

Submissions (2):

Labcorp Genetics (formerly Invitae), Labcorp
Classification: Likely pathogenic for Hereditary cancer-predisposing syndrome. Last evaluated: 2025-12-08. Review status: criteria provided, single submitter. Criteria: Invitae Variant Classification Sherloc (09022015). Collection method: clinical testing. Allele origin: germline.
Comment: This sequence change affects a donor splice site in intron 16 of the RAD50 gene. RNA analysis indicates that disruption of this splice site induces altered splicing and may result in an absent or altered protein product. This variant is not present in population databases (gnomAD no frequency). This variant has not been reported in the literature in individuals affected with RAD50-related conditions. ClinVar contains an entry for this variant (Variation ID: 1478707). Studies have shown that disruption of this splice site results in skipping of exon 16, and produces a non-functional protein and/or introduces a premature termination codon (internal data). In summary, the currently available evidence indicates that the variant is pathogenic, but additional data are needed to prove that conclusively. Therefore, this variant has been classified as Likely Pathogenic.

Genesis Genomics
Classification: Likely pathogenic for Nijmegen breakage syndrome-like disorder. Review status: criteria provided, single submitter. Criteria: ACMG Guidelines, 2015. Collection method: clinical testing. Allele origin: germline. Affected: no. Observed: 1 variant allele.